The following is an entry in ClinVar:

ClinVar aggregate classification (germline): Uncertain significance. Review status: criteria provided, multiple submitters, no conflicts (2 of 4 stars). 4 submissions from 4 submitters: Uncertain significance (4). Last evaluated 2022-04-20.

Conditions:
Cardiovascular phenotype. Identifiers: MedGen CN230736.
Autosomal recessive limb-girdle muscular dystrophy type 2J (LGMDR10). Also called: Limb-girdle muscular dystrophy, type 2J; MUSCULAR DYSTROPHY, LIMB-GIRDLE, AUTOSOMAL RECESSIVE 10. Identifiers: Orphanet 140922, MedGen C1837342, MONDO:0012127, OMIM 608807.
Dilated cardiomyopathy 1G (CMD1G). Identifiers: Orphanet 154, MedGen C1858763, MONDO:0011400, OMIM 604145.
Myopathy, myofibrillar, 9, with early respiratory failure (MFM9). Also called: EDSTROM MYOPATHY; MYOPATHY, PROXIMAL, WITH EARLY RESPIRATORY MUSCLE INVOLVEMENT; Hereditary myopathy with early respiratory failure; Myopathy, distal, with early respiratory failure, autosomal dominant. Identifiers: Orphanet 178464, Orphanet 34521, MedGen C1863599, MONDO:0011362, OMIM 603689.
Hypertrophic cardiomyopathy 9. Also called: Familial hypertrophic cardiomyopathy 9. Identifiers: MedGen C1861065, MONDO:0013412, OMIM 613765.
Early-onset myopathy with fatal cardiomyopathy (CMYO5). Also called: Salih Myopathy; CONGENITAL MYOPATHY 5 WITH CARDIOMYOPATHY. Identifiers: Orphanet 289377, MedGen C2673677, MONDO:0012714, OMIM 611705. Disease mechanism: loss of function.
Tibial muscular dystrophy (TMD). Also called: UDD MYOPATHY; Tibial muscular dystrophy, tardive; Udd Distal Myopathy – Tibial Muscular Dystrophy. Identifiers: Orphanet 609, MedGen C1838244, MONDO:0010870, OMIM 600334.

Allele frequency attached by ClinVar (database versions not stated): ExAC 0.00001; gnomAD exomes 0.00001; TOPMed 0.00002.
gnomAD v4.1: 31 of 1,613,490 alleles (0.0019%); highest among the groups gnomAD compares: Admixed American, 0.005%; no homozygotes.

Submissions (4):

Revvity Omics, Revvity
Classification: Uncertain significance. Last evaluated: 2022-04-20. Review status: criteria provided, single submitter. Criteria: ACMG Guidelines, 2015. Collection method: clinical testing. Allele origin: germline.

Fulgent Genetics
Classification: Uncertain significance for Tibial muscular dystrophy; Myopathy, myofibrillar, 9, with early respiratory failure; Dilated cardiomyopathy 1G; Autosomal recessive limb-girdle muscular dystrophy type 2J; Early-onset myopathy with fatal cardiomyopathy; Hypertrophic cardiomyopathy 9. Last evaluated: 2021-11-08. Review status: criteria provided, single submitter. Criteria: ACMG Guidelines, 2015. Collection method: clinical testing. Allele origin: unknown.

Ambry Genetics
Classification: Uncertain significance for Cardiovascular phenotype. Last evaluated: 2018-09-21. Review status: criteria provided, single submitter. Criteria: Ambry Variant Classification Scheme 2023. Collection method: clinical testing. Allele origin: germline.
Comment: The p.E20556D variant (also known as c.61668A>C), located in coding exon 159 of the TTN gene, results from an A to C substitution at nucleotide position 61668. The glutamic acid at codon 20556 is replaced by aspartic acid, an amino acid with highly similar properties. This amino acid position is well conserved in available vertebrate species; however, aspartic acid is the reference amino acid in other vertebrate species. In addition, this alteration is predicted to be tolerated by in silico analysis. Since supporting evidence is limited at this time, the clinical significance of this alteration remains unclear.

Labcorp Genetics (formerly Invitae), Labcorp
Classification: Uncertain significance for Dilated cardiomyopathy 1G; Autosomal recessive limb-girdle muscular dystrophy type 2J. Last evaluated: 2017-06-12. Review status: criteria provided, single submitter. Criteria: Invitae Variant Classification Sherloc (09022015). Collection method: clinical testing. Allele origin: germline.

NM_001267550.2(TTN):c.88863A>C (p.Glu29621Asp)

Genes: TTN (titin; minus strand), TTN-AS1 (TTN antisense RNA 1; plus strand). Cytogenetic location: 2q31.2.
Variant type: single nucleotide variant.
Coding change: c.88863A>C on transcript NM_001267550.2 (MANE Select); coding-DNA position 88863, A replaced by C.
Protein change: p.Glu29621Asp; replaces glutamic acid 29621 with aspartic acid.
Molecular consequence: missense variant.
Genome position (GRCh38, 1-based): chr2:178,554,484, T>G on the plus strand (A>C on the coding strand, the complement: TTN is on the minus strand). VCF-style: chr2-178554484-T-G. GRCh37 (hg19) VCF-style: chr2-179419211-T-G.
Other names: c.83940A>C, p.Glu27980Asp (NM_001256850.1); c.61668A>C, p.Glu20556Asp (NM_003319.4); c.81159A>C, p.Glu27053Asp (NM_133378.4); c.62043A>C, p.Glu20681Asp (NM_133432.3); c.62244A>C, p.Glu20748Asp (NM_133437.4); short protein forms E29621D, E20681D, E20556D, E27980D, E20748D, E27053D.
Identifiers: ClinVar variation 467611 (VCV000467611.9), dbSNP rs750981091, ClinGen allele CA1988048.
Genomic context (GRCh38, chr2:178,554,484, plus strand): 5'-TTCAGTTTTCTAATGAAATCATGTCTCACCAAATGCGTTCTTGGCTACAACGGAATCAGA[T>G]TCCAGTGGCTCGCCAATTCCATATTTGTTCACGGCTCGGACCCGGAAGATGTATTCATTT-3'
Protein context (NP_001254479.2, residues 29611-29631): VNKYGIGEPL[Glu29621Asp]SDSVVAKNAF